The following is an entry in ClinVar:

NM_152703.5(SAMD9L):c.1258G>A (p.Val420Ile)

Gene: SAMD9L (sterile alpha motif domain containing 9 like; minus strand). Cytogenetic location: 7q21.2.
Variant type: single nucleotide variant.
Coding change: c.1258G>A on transcript NM_152703.5 (MANE Select); coding-DNA position 1258, G replaced by A.
Protein change: p.Val420Ile; replaces valine 420 with isoleucine.
Molecular consequence: missense variant.
Genome position (GRCh38, 1-based): chr7:93,134,714, C>T on the plus strand (G>A on the coding strand, the complement: SAMD9L is on the minus strand). VCF-style: chr7-93134714-C-T. GRCh37 (hg19) VCF-style: chr7-92764027-C-T.
Other names: c.1258G>A, p.Val420Ile (NM_001303496.3, NM_001303497.3, NM_001303498.3 and 5 more transcripts); short protein forms V420I.
Identifiers: ClinVar variation 5028849 (VCV005028849.1).
Genomic context (GRCh38, chr7:93,134,714, plus strand): 5'-ATTTAATTTCTTTTAAAAAATCTAAGTGCTTTATTTGGTTTGGATGGCATTTATTTGTTA[C>T]AAGAATGTACCAGTCATAGTATGAATTATCCAGTGAGTCTCGGTTTCCTATGAGAAGTTT-3'
Protein context (NP_689916.2, residues 410-430): DNSYYDWYIL[Val420Ile]TNKCHPNQIK

ClinVar aggregate classification (germline): Uncertain significance (1 of 4 stars; one submission).

Conditions:
Inborn genetic diseases. Identifiers: MedGen C0950123, MeSH D030342.

gnomAD v4.1: 3 of 1,613,524 alleles (0.00019%); highest among the groups gnomAD compares: Middle Eastern, 0.017%; no homozygotes.

Submission:

Ambry Genetics
Classification: Uncertain significance for Inborn genetic diseases. Last evaluated: 2026-06-22. Review status: criteria provided, single submitter. Criteria: Ambry Variant Classification Scheme 2023. Collection method: clinical testing. Allele origin: germline.
Comment: The p.V420I variant (also known as c.1258G>A), located in coding exon 1 of the SAMD9L gene, results from a G to A substitution at nucleotide position 1258. The valine at codon 420 is replaced by isoleucine, an amino acid with highly similar properties. This amino acid position is conserved. In addition, this alteration is predicted to be tolerated by in silico analysis. Based on the available evidence, the clinical significance of this variant remains unclear.